The following is an entry in ClinVar:

ClinVar aggregate classification (germline): Benign (0 of 4 stars; one submission).

Conditions:
CLTCL1-related disorder. Also called: CLTCL1-related condition.

Allele frequency attached by ClinVar (database versions not stated): ESP Exome Variant Server 0.00008; ExAC 0.00374; 1000 Genomes Project 30x 0.00999; 1000 Genomes Project 0.01058.
gnomAD v4.1: 2,623 of 1,613,698 alleles (0.16%); highest among the groups gnomAD compares: East Asian, 4.8%; 56 homozygotes.

Submission:

PreventionGenetics, part of Exact Sciences
Classification: Benign for CLTCL1-related condition. Last evaluated: 2019-04-01. Review status: no assertion criteria provided. Collection method: clinical testing. Allele origin: germline.
Comment: This variant is classified as benign based on ACMG/AMP sequence variant interpretation guidelines (Richards et al. 2015 PMID: 25741868, with internal and published modifications).

NM_007098.4(CLTCL1):c.1342C>A (p.Leu448Ile)

Genes: CLTCL1 (clathrin heavy chain like 1; minus strand), LOC126863097 (BRD4-independent group 4 enhancer GRCh37_chr22:19220751-19221950; plus strand). Cytogenetic location: 22q11.21.
Variant type: single nucleotide variant.
Coding change: c.1342C>A on transcript NM_007098.4 (MANE Select); coding-DNA position 1342, C replaced by A.
Protein change: p.Leu448Ile; replaces leucine 448 with isoleucine.
Molecular consequence: missense variant.
Genome position (GRCh38, 1-based): chr22:19,233,448, G>T on the plus strand (C>A on the coding strand, the complement: CLTCL1 is on the minus strand). VCF-style: chr22-19233448-G-T. GRCh37 (hg19) VCF-style: chr22-19220971-G-T.
Other names: c.1342C>A, p.Leu448Ile (NM_001835.4); short protein forms L448I.
Identifiers: ClinVar variation 3048116 (VCV003048116.2), dbSNP rs76099251, ClinGen allele CA10098721.